The following is an entry in ClinVar:

NM_021076.4(NEFH):c.1490G>A (p.Gly497Glu)

Gene: NEFH (neurofilament heavy chain; plus strand). Cytogenetic location: 22q12.2.
Variant type: single nucleotide variant.
Coding change: c.1490G>A on transcript NM_021076.4 (MANE Select); coding-DNA position 1490, G replaced by A.
Protein change: p.Gly497Glu; replaces glycine 497 with glutamic acid.
Molecular consequence: missense variant.
Genome position (GRCh38, 1-based): chr22:29,489,130, G>A. VCF-style: chr22-29489130-G-A. GRCh37 (hg19) VCF-style: chr22-29885119-G-A.
Other names: short protein forms G497E.
Identifiers: ClinVar variation 1773774 (VCV001773774.4), dbSNP rs2063061074, ClinGen allele CA411130347.

ClinVar aggregate classification (germline): Uncertain significance. Review status: criteria provided, single submitter (1 of 4 stars). 2 submissions from 2 submitters: Uncertain significance (1). 1 of the submissions does not count toward it. Last evaluated 2021-10-22.

Conditions:
NEFH-related disorder. Also called: NEFH-related condition.
Inborn genetic diseases. Identifiers: MedGen C0950123, MeSH D030342.

Allele frequency attached by ClinVar (database versions not stated): gnomAD 0.00001.

Submissions (2):

Ambry Genetics
Classification: Uncertain significance for Inborn genetic diseases. Last evaluated: 2021-10-22. Review status: criteria provided, single submitter. Criteria: Ambry Variant Classification Scheme 2023. Collection method: clinical testing. Allele origin: germline.
Comment: The p.G497E variant (also known as c.1490G>A), located in coding exon 4 of the NEFH gene, results from a G to A substitution at nucleotide position 1490. The glycine at codon 497 is replaced by glutamic acid, an amino acid with similar properties. This amino acid position is conserved. In addition, this alteration is predicted to be tolerated by in silico analysis. Since supporting evidence is limited at this time, the clinical significance of this alteration remains unclear.

PreventionGenetics, part of Exact Sciences
Classification: Uncertain significance for NEFH-related condition. Last evaluated: 2024-05-22. Review status: no assertion criteria provided. Collection method: clinical testing. Allele origin: germline. Not counted in ClinVar's aggregate classification.
Comment: The NEFH c.1490G>A variant is predicted to result in the amino acid substitution p.Gly497Glu. To our knowledge, this variant has not been reported in the literature or in a large population database, indicating this variant is rare. At this time, the clinical significance of this variant is uncertain due to the absence of conclusive functional and genetic evidence.